The following is an entry in ClinVar:

ClinVar aggregate classification (germline): Uncertain significance. Review status: criteria provided, multiple submitters, no conflicts (2 of 4 stars). 2 submissions from 2 submitters: Uncertain significance (2). Last evaluated 2024-11-21.

Allele frequency attached by ClinVar (database versions not stated): gnomAD 0.00001; gnomAD exomes 0.00002 and 0.00006; TOPMed 0.00003.
gnomAD v4.1: 13 of 1,551,030 alleles (0.00084%); highest among the groups gnomAD compares: Admixed American, 0.018%; no homozygotes.

Submissions (2):

Labcorp Genetics (formerly Invitae), Labcorp
Classification: Uncertain significance. Last evaluated: 2024-11-21. Review status: criteria provided, single submitter. Criteria: Invitae Variant Classification Sherloc (09022015). Collection method: clinical testing. Allele origin: germline.
Comment: This sequence change replaces isoleucine, which is neutral and non-polar, with asparagine, which is neutral and polar, at codon 213 of the KPNA7 protein (p.Ile213Asn). This variant is present in population databases (no rsID available, gnomAD 0.03%). This variant has not been reported in the literature in individuals affected with KPNA7-related conditions. ClinVar contains an entry for this variant (Variation ID: 409803). An algorithm developed to predict the effect of missense changes on protein structure and function (PolyPhen-2) suggests that this variant is likely to be disruptive. In summary, the available evidence is currently insufficient to determine the role of this variant in disease. Therefore, it has been classified as a Variant of Uncertain Significance.

Ambry Genetics
Classification: Uncertain significance. Last evaluated: 2021-08-09. Review status: criteria provided, single submitter. Criteria: Ambry Variant Classification Scheme 2023. Collection method: clinical testing. Allele origin: germline.

NM_001145715.3(KPNA7):c.638T>A (p.Ile213Asn)

Gene: KPNA7 (karyopherin subunit alpha 7; minus strand). Cytogenetic location: 7q22.1.
Variant type: single nucleotide variant.
Coding change: c.638T>A on transcript NM_001145715.3 (MANE Select); coding-DNA position 638, T replaced by A.
Protein change: p.Ile213Asn; replaces isoleucine 213 with asparagine.
Molecular consequence: missense variant.
Genome position (GRCh38, 1-based): chr7:99,188,562, A>T on the plus strand (T>A on the coding strand, the complement: KPNA7 is on the minus strand). VCF-style: chr7-99188562-A-T. GRCh37 (hg19) VCF-style: chr7-98786185-A-T.
Other names: short protein forms I213N.
Identifiers: ClinVar variation 409803 (VCV000409803.11), dbSNP rs1060502572, ClinGen allele CA16612329.